The following is an entry in ClinVar:

NM_000238.4(KCNH2):c.339G>A (p.Val113=)

Gene: KCNH2 (potassium voltage-gated channel subfamily H member 2; minus strand). Cytogenetic location: 7q36.1.
Variant type: single nucleotide variant.
Coding change: c.339G>A on transcript NM_000238.4 (MANE Select); coding-DNA position 339, G replaced by A.
Protein change: p.Val113=; no amino-acid change (valine 113 retained).
Molecular consequence: synonymous variant. On other transcripts: non-coding transcript variant (1).
Genome position (GRCh38, 1-based): chr7:150,959,705, C>T on the plus strand (G>A on the coding strand, the complement: KCNH2 is on the minus strand). VCF-style: chr7-150959705-C-T. GRCh37 (hg19) VCF-style: chr7-150656793-C-T.
Other names: c.51G>A, p.Val17= (NM_001406753.1, NM_001406756.1); c.162G>A, p.Val54= (NM_001406755.1); c.39G>A, p.Val13= (NM_001406757.1); c.339G>A, p.Val113= (NM_172056.3).
Identifiers: ClinVar variation 1730990 (VCV001730990.4), dbSNP rs769738950, ClinGen allele CA038920.

ClinVar aggregate classification (germline): Likely benign. Review status: criteria provided, multiple submitters, no conflicts (2 of 4 stars). 3 submissions from 3 submitters: Likely benign (3). Last evaluated 2025-09-14.

Conditions:
Cardiovascular phenotype. Identifiers: MedGen CN230736.
Long QT syndrome (LQTS). Identifiers: MedGen C0023976, MeSH D008133, MONDO:0002442. Disease mechanism: loss of function. Inheritance: Various modes of inheritance.

Allele frequency attached by ClinVar (database versions not stated): ExAC 0.00001; gnomAD exomes 0.00001.
gnomAD v4.1: 13 of 1,614,190 alleles (0.00081%); highest among the groups gnomAD compares: Non-Finnish European, 0.001%; no homozygotes.

Submissions (3):

Labcorp Genetics (formerly Invitae), Labcorp
Classification: Likely benign for Long QT syndrome. Last evaluated: 2025-09-14. Review status: criteria provided, single submitter. Criteria: Invitae Variant Classification Sherloc (09022015). Collection method: clinical testing. Allele origin: germline.

All of Us Research Program, National Institutes of Health
Classification: Likely benign for Long QT syndrome. Last evaluated: 2023-06-08. Review status: criteria provided, single submitter. Criteria: ACMG Guidelines, 2015. Collection method: clinical testing. Allele origin: germline. Inheritance: Autosomal dominant inheritance. Observed: 1 variant allele, 1 heterozygote.
Comment: This study involves interpretation of variants in research participants for the purpose of population health screening. Participant phenotype was not available at the time of variant classification. Additional details can be found in publication PMID: 35346344, PMCID: PMC8962531

Ambry Genetics
Classification: Likely benign for Cardiovascular phenotype. Last evaluated: 2022-05-30. Review status: criteria provided, single submitter. Criteria: Ambry Variant Classification Scheme 2023. Collection method: clinical testing. Allele origin: germline.